The following is an entry in ClinVar:

NM_003632.3(CNTNAP1):c.3502_3504del (p.Lys1168del)

Gene: CNTNAP1 (contactin associated protein 1; plus strand). Cytogenetic location: 17q21.2.
Variant type: Deletion.
Coding change: c.3502_3504del on transcript NM_003632.3 (MANE Select); coding-DNA positions 3502 to 3504, 3 bases deleted (AAG; older notation c.3502_3504delAAG).
Protein change: p.Lys1168del; deletes lysine 1168.
Molecular consequence: inframe deletion.
Genome position (GRCh38, 1-based): chr17:42,697,301-42,697,303, AAG deleted; deleting any 3 consecutive bases within chr17:42,697,299-42,697,303 gives the same sequence; the c. name uses the placement nearest the transcript's 3' end. VCF-style (leftmost placement, unchanged base first): chr17-42697298-CAGA-C. GRCh37 (hg19) VCF-style: chr17-40849316-CAGA-C.
Other names: short protein forms K1168del.
Identifiers: ClinVar variation 1398331 (VCV001398331.6), dbSNP rs747060339, ClinGen allele CA8582362.

ClinVar aggregate classification (germline): Uncertain significance (1 of 4 stars; one submission).

Submission:

Labcorp Genetics (formerly Invitae), Labcorp
Classification: Uncertain significance. Last evaluated: 2025-03-31. Review status: criteria provided, single submitter. Criteria: Invitae Variant Classification Sherloc (09022015). Collection method: clinical testing. Allele origin: germline.
Comment: This variant, c.3502_3504del, results in the deletion of 1 amino acid(s) of the CNTNAP1 protein (p.Lys1168del), but otherwise preserves the integrity of the reading frame. The frequency data for this variant in the population databases is considered unreliable, as metrics indicate poor data quality at this position in the gnomAD database. This variant has not been reported in the literature in individuals affected with CNTNAP1-related conditions. ClinVar contains an entry for this variant (Variation ID: 1398331). Experimental studies and prediction algorithms are not available or were not evaluated, and the functional significance of this variant is currently unknown. In summary, the available evidence is currently insufficient to determine the role of this variant in disease. Therefore, it has been classified as a Variant of Uncertain Significance.